The following is an entry in ClinVar:

NM_001909.5(CTSD):c.437G>T (p.Ser146Ile)

Gene: CTSD (cathepsin D; minus strand). Cytogenetic location: 11p15.5.
Variant type: single nucleotide variant.
Coding change: c.437G>T on transcript NM_001909.5 (MANE Select); coding-DNA position 437, G replaced by T.
Protein change: p.Ser146Ile; replaces serine 146 with isoleucine.
Molecular consequence: missense variant.
Genome position (GRCh38, 1-based): chr11:1,759,003, C>A on the plus strand (G>T on the coding strand, the complement: CTSD is on the minus strand). VCF-style: chr11-1759003-C-A. GRCh37 (hg19) VCF-style: chr11-1780233-C-A.
Other names: short protein forms S146I.
Identifiers: ClinVar variation 1375752 (VCV001375752.8), dbSNP rs911813557, ClinGen allele CA216174902.

ClinVar aggregate classification (germline): Uncertain significance (1 of 4 stars; one submission).

Conditions:
Neuronal ceroid lipofuscinosis. Also called: Neuronal Ceroid Lipofuscinoses. Identifiers: Orphanet 216, Orphanet 79263, MedGen C0027877, MONDO:0016295. Disease mechanism: loss of function.

Allele frequency attached by ClinVar (database versions not stated): gnomAD exomes below 0.00001.
gnomAD v4.1: 1 of 1,613,786 alleles (0.000062%); highest among the groups gnomAD compares: Non-Finnish European, 0.000085%; no homozygotes.

Submission:

Labcorp Genetics (formerly Invitae), Labcorp
Classification: Uncertain significance for Neuronal ceroid lipofuscinosis. Last evaluated: 2021-02-25. Review status: criteria provided, single submitter. Criteria: Invitae Variant Classification Sherloc (09022015). Collection method: clinical testing. Allele origin: germline.
Comment: Algorithms developed to predict the effect of missense changes on protein structure and function are either unavailable or do not agree on the potential impact of this missense change (SIFT: "Deleterious"; PolyPhen-2: "Possibly Damaging"; Align-GVGD: "Class C0"). This sequence change replaces serine with isoleucine at codon 146 of the CTSD protein (p.Ser146Ile). The serine residue is highly conserved and there is a large physicochemical difference between serine and isoleucine. This variant is not present in population databases (ExAC no frequency). This variant has not been reported in the literature in individuals with CTSD-related conditions. In summary, the available evidence is currently insufficient to determine the role of this variant in disease. Therefore, it has been classified as a Variant of Uncertain Significance.